The following is an entry in ClinVar:

ClinVar aggregate classification (germline): Likely risk allele (1 of 4 stars; one submission).

Conditions:
Maturity-onset diabetes of the young (MODY). Also called: Maturity onset diabetes mellitus in young. Identifiers: Orphanet 552, MedGen C0342276, MONDO:0018911, HP:0004904.

Allele frequency attached by ClinVar (database versions not stated): gnomAD 0.00002.
gnomAD v4.1: 3 of 1,544,288 alleles (0.00019%); highest among the groups gnomAD compares: African/African-American, 0.0042%; no homozygotes.

Submission:

Clinical Genomics, Uppaluri K&H Personalized Medicine Clinic
Classification: Likely risk allele for Maturity-onset diabetes of the young. Review status: criteria provided, single submitter. Criteria: K & H Uppaluri Personalized Medicine Clinic Variant Classification & Assertion Criteria_Updated V.1. Collection method: research. Allele origin: unknown. Inheritance: Autosomal dominant inheritance.
Comment: HNF1B gene mutations are associated with early onset diabetes and pancreatic atrophy. It is also associated with multiple renal manifestations including renal cysts, Tubulointerstitial disease, glomerulocystic disease, renal hypoplasia, hypomagnesemia. However no sufficient evidence is found to ascertain the role of this particular variant rs1052557621, yet.

Literature cited by the submitters: PubMed 24897035; PubMed 25536396; PubMed 27615128; PubMed 28215227; PubMed 33434175; PubMed 25741167; PubMed 26340261; PubMed 19639018.

NM_000458.4(HNF1B):c.58G>C (p.Gly20Arg)

Gene: HNF1B (HNF1 homeobox B; minus strand). Cytogenetic location: 17q12.
Variant type: single nucleotide variant.
Coding change: c.58G>C on transcript NM_000458.4 (MANE Select); coding-DNA position 58, G replaced by C.
Protein change: p.Gly20Arg; replaces glycine 20 with arginine.
Molecular consequence: missense variant.
Genome position (GRCh38, 1-based): chr17:37,744,827, C>G on the plus strand (G>C on the coding strand, the complement: HNF1B is on the minus strand). VCF-style: chr17-37744827-C-G. GRCh37 (hg19) VCF-style: chr17-36104818-C-G.
Other names: c.58G>C, p.Gly20Arg (NM_001165923.4, NM_001304286.2, NM_001411100.1); short protein forms G20R.
Identifiers: ClinVar variation 1802529 (VCV001802529.1), dbSNP rs1052557621, ClinGen allele CA290293293.